The following is an entry in ClinVar:

NM_024494.3(WNT2B):c.47G>C (p.Arg16Pro)

Genes: WNT2B (Wnt family member 2B; plus strand), LOC122094899 (Sharpr-MPRA regulatory region 8072; plus strand), LOC129931208 (ATAC-STARR-seq lymphoblastoid silent region 1200; plus strand). Cytogenetic location: 1p13.2.
Variant type: single nucleotide variant.
Coding change: c.47G>C on transcript NM_024494.3 (MANE Select); coding-DNA position 47, G replaced by C.
Protein change: p.Arg16Pro; replaces arginine 16 with proline.
Molecular consequence: missense variant. On other transcripts: intron variant (2).
Genome position (GRCh38, 1-based): chr1:112,509,309, G>C. VCF-style: chr1-112509309-G-C. GRCh37 (hg19) VCF-style: chr1-113051931-G-C.
Other names: c.126-5565G>C (NM_004185.4); c.-94-5565G>C (NM_001291880.1); short protein forms R16P.
Identifiers: ClinVar variation 2086741 (VCV002086741.3), dbSNP rs1021042996, ClinGen allele CA28917244.

ClinVar aggregate classification (germline): Uncertain significance (1 of 4 stars; one submission).

Allele frequency attached by ClinVar (database versions not stated): TOPMed 0.00002.
gnomAD v4.1: 27 of 1,563,500 alleles (0.0017%); highest among the groups gnomAD compares: African/African-American, 0.0028%; no homozygotes.

Submission:

Labcorp Genetics (formerly Invitae), Labcorp
Classification: Uncertain significance. Last evaluated: 2024-10-24. Review status: criteria provided, single submitter. Criteria: Invitae Variant Classification Sherloc (09022015). Collection method: clinical testing. Allele origin: germline.
Comment: This sequence change replaces arginine, which is basic and polar, with proline, which is neutral and non-polar, at codon 16 of the WNT2B protein (p.Arg16Pro). This variant is not present in population databases (gnomAD no frequency). This variant has not been reported in the literature in individuals affected with WNT2B-related conditions. ClinVar contains an entry for this variant (Variation ID: 2086741). An algorithm developed to predict the effect of missense changes on protein structure and function (PolyPhen-2) suggests that this variant is likely to be disruptive. In summary, the available evidence is currently insufficient to determine the role of this variant in disease. Therefore, it has been classified as a Variant of Uncertain Significance.